The following is an entry in ClinVar:

ClinVar aggregate classification (germline): Uncertain significance (1 of 4 stars; one submission).

Submission:

GeneDx
Classification: Uncertain significance. Last evaluated: 2024-12-27. Review status: criteria provided, single submitter. Criteria: GeneDx Variant Classification Process June 2021. Collection method: clinical testing. Allele origin: germline. Affected: yes.
Comment: Not observed at significant frequency in large population cohorts (gnomAD); Has not been previously published as pathogenic or benign to our knowledge

NM_001287491.2(TET3):c.4582C>G (p.Pro1528Ala)

Gene: TET3 (tet methylcytosine dioxygenase 3; plus strand). Cytogenetic location: 2p13.1.
Variant type: single nucleotide variant.
Coding change: c.4582C>G on transcript NM_001287491.2 (MANE Select); coding-DNA position 4582, C replaced by G.
Protein change: p.Pro1528Ala; replaces proline 1528 with alanine.
Molecular consequence: missense variant.
Genome position (GRCh38, 1-based): chr2:74,101,370, C>G. VCF-style: chr2-74101370-C-G. GRCh37 (hg19) VCF-style: chr2-74328497-C-G.
Other names: c.4303C>G, p.Pro1435Ala (NM_001366022.1); short protein forms P1435A, P1528A.
Identifiers: ClinVar variation 3907790 (VCV003907790.1).